The following is an entry in ClinVar:

NM_000478.6(ALPL):c.176G>A (p.Gly59Glu)

Gene: ALPL (alkaline phosphatase, biomineralization associated; plus strand). Cytogenetic location: 1p36.12.
Variant type: single nucleotide variant.
Coding change: c.176G>A on transcript NM_000478.6 (MANE Select); coding-DNA position 176, G replaced by A.
Protein change: p.Gly59Glu; replaces glycine 59 with glutamic acid.
Molecular consequence: missense variant.
Genome position (GRCh38, 1-based): chr1:21,560,740, G>A. VCF-style: chr1-21560740-G-A. GRCh37 (hg19) VCF-style: chr1-21887233-G-A.
Other names: c.11G>A, p.Gly4Glu (NM_001127501.4); c.61G>A, p.Glu21Lys (NM_001177520.3); c.176G>A, p.Gly59Glu (NM_001369803.2, NM_001369804.2, NM_001369805.2); short protein forms E21K, G4E, G59E.
Identifiers: ClinVar variation 2665005 (VCV002665005.6), dbSNP rs925157796, ClinGen allele CA19088185.

ClinVar aggregate classification (germline): Conflicting classifications of pathogenicity. Review status: criteria provided, conflicting classifications (1 of 4 stars). 3 submissions from 3 submitters: Likely pathogenic (2); Uncertain significance (1). Last evaluated 2026-09-01.

Conditions:
Hypophosphatasia. Also called: Phosphoethanol-aminuria. Identifiers: Orphanet 436, MedGen C0020630, MeSH D007014, MONDO:0018570.

Allele frequency attached by ClinVar (database versions not stated): gnomAD exomes 0.00001.

Submissions (3):

Genomenon, Inc
Classification: Likely pathogenic for Hypophosphatasia. Last evaluated: 2026-09-01. Review status: criteria provided, single submitter. Criteria: Genomenon Sequence Variant Interpretation Standards - Updated. Collection method: curation. Allele origin: germline. Affected: no.
Comment: ALPL p.Gly59Glu (c.176G>A) is a missense variant that changes the amino acid at codon 59 from Glycine to Glutamic acid. To our knowledge, this variant has not been reported in patients affected with an ALPL-related disorder in the published literature. At least one functional study has demonstrated a substantial alteration in protein function relative to the wild-type (PMID:40386289). It is absent or not present at a significant frequency in gnomAD. In silico models predict that this variant is possibly or probably damaging. In conclusion, we classify ALPL p.Gly59Glu (c.176G>A) as a likely pathogenic variant.

Labcorp Genetics (formerly Invitae), Labcorp
Classification: Likely pathogenic. Last evaluated: 2025-12-11. Review status: criteria provided, single submitter. Criteria: Invitae Variant Classification Sherloc (09022015). Collection method: clinical testing. Allele origin: germline.
Comment: This sequence change replaces glycine, which is neutral and non-polar, with glutamic acid, which is acidic and polar, at codon 59 of the ALPL protein (p.Gly59Glu). This variant is not present in population databases (gnomAD no frequency). This missense change has been observed in individual(s) with odontohypophosphatasia (internal data). ClinVar contains an entry for this variant (Variation ID: 2665005). Invitae Evidence Modeling of protein sequence and biophysical properties (such as structural, functional, and spatial information, amino acid conservation, physicochemical variation, residue mobility, and thermodynamic stability) indicates that this missense variant is expected to disrupt ALPL protein function with a positive predictive value of 95%. In summary, the currently available evidence indicates that the variant is pathogenic, but additional data are needed to prove that conclusively. Therefore, this variant has been classified as Likely Pathogenic.

JKU Lab, Dept of Paediatrics, Johannes Kepler University
Classification: Uncertain significance for Hypophosphatasia. Last evaluated: 2024-10-08. Review status: criteria provided, single submitter. Criteria: ACMG Guidelines, 2015. Collection method: curation. Allele origin: germline.
Comment: This missense variant is not present in GnomAD 4.1 and affects a highly conserved amino acid in proximity of the active site domain. The variant is not predicted to affect protein function (REVEL score: 0.603). Splice-prediction algorithms predict no effect on splicing. This variant has not been reported in the literature in individuals affected with ALPL-related conditions.

Literature cited by the submitters: PubMed 40386289 (cited by Genomenon, Inc).